The following is an entry in ClinVar:

ClinVar aggregate classification (germline): Uncertain significance (1 of 4 stars; one submission).

Allele frequency attached by ClinVar (database versions not stated): gnomAD exomes 0.00003 and 0.00004; ExAC 0.00004; TOPMed 0.00006; gnomAD 0.00008 and 0.00009; ESP Exome Variant Server 0.00009.

Submission:

Labcorp Genetics (formerly Invitae), Labcorp
Classification: Uncertain significance. Last evaluated: 2025-01-06. Review status: criteria provided, single submitter. Criteria: Invitae Variant Classification Sherloc (09022015). Collection method: clinical testing. Allele origin: germline.
Comment: This sequence change replaces arginine, which is basic and polar, with histidine, which is basic and polar, at codon 1789 of the CACNA1F protein (p.Arg1789His). This variant is present in population databases (rs201649938, gnomAD 0.01%). This variant has not been reported in the literature in individuals affected with CACNA1F-related conditions. ClinVar contains an entry for this variant (Variation ID: 1019005). An algorithm developed to predict the effect of missense changes on protein structure and function (PolyPhen-2) suggests that this variant is likely to be tolerated. In summary, the available evidence is currently insufficient to determine the role of this variant in disease. Therefore, it has been classified as a Variant of Uncertain Significance.

NM_001256789.3(CACNA1F):c.5333G>A (p.Arg1778His)

Gene: CACNA1F (calcium voltage-gated channel subunit alpha1 F; minus strand). Cytogenetic location: Xp11.23.
Variant type: single nucleotide variant.
Coding change: c.5333G>A on transcript NM_001256789.3 (MANE Select); coding-DNA position 5333, G replaced by A.
Protein change: p.Arg1778His; replaces arginine 1778 with histidine.
Molecular consequence: missense variant.
Genome position (GRCh38, 1-based): chrX:49,206,754, C>T on the plus strand (G>A on the coding strand, the complement: CACNA1F is on the minus strand). VCF-style: chrX-49206754-C-T. GRCh37 (hg19) VCF-style: chrX-49063215-C-T.
Other names: c.5171G>A, p.Arg1724His (NM_001256790.3); c.5366G>A, p.Arg1789His (NM_005183.4); short protein forms R1724H, R1778H, R1789H.
Identifiers: ClinVar variation 1019005 (VCV001019005.6), dbSNP rs201649938, ClinGen allele CA10410005.